The following is an entry in ClinVar:

NM_006015.6(ARID1A):c.2072G>A (p.Gly691Asp)

Gene: ARID1A (AT-rich interaction domain 1A; plus strand). Cytogenetic location: 1p36.11.
Variant type: single nucleotide variant.
Coding change: c.2072G>A on transcript NM_006015.6 (MANE Select); coding-DNA position 2072, G replaced by A.
Protein change: p.Gly691Asp; replaces glycine 691 with aspartic acid.
Molecular consequence: missense variant.
Genome position (GRCh38, 1-based): chr1:26,761,007, G>A. VCF-style: chr1-26761007-G-A. GRCh37 (hg19) VCF-style: chr1-27087498-G-A.
Other names: c.2072G>A, p.Gly691Asp (NM_139135.4); short protein forms G691D.
Identifiers: ClinVar variation 3369573 (VCV003369573.1).

ClinVar aggregate classification (germline): Uncertain significance (1 of 4 stars; one submission).

Submission:

GeneDx
Classification: Uncertain significance. Last evaluated: 2024-02-22. Review status: criteria provided, single submitter. Criteria: GeneDx Variant Classification Process June 2021. Collection method: clinical testing. Allele origin: germline. Affected: yes.
Comment: Not observed at significant frequency in large population cohorts (gnomAD); In silico analysis supports that this missense variant has a deleterious effect on protein structure/function; Has not been previously published as pathogenic or benign to our knowledge